The following is an entry in ClinVar:

NM_053025.4(MYLK):c.5448C>T (p.Arg1816=)

Genes: MYLK (myosin light chain kinase; minus strand), MYLK-AS1 (MYLK antisense RNA 1; plus strand). Cytogenetic location: 3q21.1.
Variant type: single nucleotide variant.
Coding change: c.5448C>T on transcript NM_053025.4 (MANE Select); coding-DNA position 5448, C replaced by T.
Protein change: p.Arg1816=; no amino-acid change (arginine 1816 retained).
Molecular consequence: synonymous variant.
Genome position (GRCh38, 1-based): chr3:123,618,691, G>A on the plus strand (C>T on the coding strand, the complement: MYLK is on the minus strand). VCF-style: chr3-123618691-G-A. GRCh37 (hg19) VCF-style: chr3-123337538-G-A.
Other names: c.4920C>T, p.Arg1640= (NM_001321309.2); c.5241C>T, p.Arg1747= (NM_053026.4); c.5295C>T, p.Arg1765= (NM_053027.4); c.5088C>T, p.Arg1696= (NM_053028.4); c.165C>T, p.Arg55= (NM_053031.4); c.168C>T, p.Arg56= (NM_053032.4).
Identifiers: ClinVar variation 342866 (VCV000342866.28), dbSNP rs56262958, ClinGen allele CA072990.

ClinVar aggregate classification (germline): Benign/Likely benign. Review status: criteria provided, multiple submitters, no conflicts (2 of 4 stars). 8 submissions from 8 submitters: Benign (5); Likely benign (3). Last evaluated 2026-08-01.

Conditions:
Aortic aneurysm, familial thoracic 7 (AAT7). Also called: AORTIC DISSECTION, FAMILIAL, WITH OR WITHOUT AORTIC ANEURYSM. Identifiers: MedGen C3151077, MONDO:0013418, OMIM 613780.
Familial thoracic aortic aneurysm and aortic dissection (TAAD). Also called: Thoracic aortic aneurysms and dissections. Identifiers: Orphanet 91387, MedGen C4707243, MONDO:0019625.

Allele frequency attached by ClinVar (database versions not stated): gnomAD 0.00032 and 0.00048; gnomAD exomes 0.00043 and 0.00125; TOPMed 0.00064; ExAC 0.00126; 1000 Genomes Project 30x 0.00203; 1000 Genomes Project 0.00220.
gnomAD v4.1: 715 of 1,614,106 alleles (0.044%); highest among the groups gnomAD compares: East Asian, 1.3%; 3 homozygotes.

Submissions (8):

CeGaT Center for Human Genetics Tuebingen
Classification: Likely benign. Last evaluated: 2026-08-01. Review status: criteria provided, single submitter. Criteria: CeGaT Center For Human Genetics Tuebingen Variant Classification Criteria Version 2. Collection method: clinical testing. Allele origin: germline. Affected: yes. Observed: 1 variant allele.
Comment: MYLK: BP4, BP7, BS1

Labcorp Genetics (formerly Invitae), Labcorp
Classification: Benign for Aortic aneurysm, familial thoracic 7. Last evaluated: 2026-01-28. Review status: criteria provided, single submitter. Criteria: Invitae Variant Classification Sherloc (09022015). Collection method: clinical testing. Allele origin: germline.

Blueprint Genetics
Classification: Likely benign. Last evaluated: 2024-11-18. Review status: criteria provided, single submitter. Criteria: ACMG Guidelines, 2015. Collection method: clinical testing. Allele origin: germline.

CHEO Genetics Diagnostic Laboratory, Children's Hospital of Eastern Ontario
Classification: Benign for Familial thoracic aortic aneurysm and aortic dissection. Last evaluated: 2020-03-02. Review status: criteria provided, single submitter. Criteria: ACMG Guidelines, 2015. Collection method: clinical testing. Allele origin: germline.

ARUP Laboratories, Molecular Genetics and Genomics, ARUP Laboratories
Classification: Benign. Last evaluated: 2019-10-02. Review status: criteria provided, single submitter. Criteria: ARUP Molecular Germline Variant Investigation Process. Collection method: clinical testing. Allele origin: germline.

Ambry Genetics
Classification: Benign for Familial thoracic aortic aneurysm and aortic dissection. Last evaluated: 2018-05-18. Review status: criteria provided, single submitter. Criteria: Ambry Variant Classification Scheme 2023. Collection method: clinical testing. Allele origin: germline.

GeneDx
Classification: Benign. Last evaluated: 2018-05-16. Review status: criteria provided, single submitter. Criteria: GeneDx Variant Classification Process June 2021. Collection method: clinical testing. Allele origin: germline. Affected: yes.

Illumina Laboratory Services, Illumina
Classification: Likely benign for Aortic aneurysm, familial thoracic 7. Last evaluated: 2018-01-13. Review status: criteria provided, single submitter. Criteria: ICSL Variant Classification Criteria 13 December 2019. Collection method: clinical testing. Allele origin: germline.
Comment: This variant was observed in the ICSL laboratory as part of a predisposition screen in an ostensibly healthy population. It had not been previously curated by ICSL or reported in the Human Gene Mutation Database (HGMD: prior to June 1st, 2018), and was therefore a candidate for classification through an automated scoring system. Utilizing variant allele frequency, disease prevalence and penetrance estimates, and inheritance mode, an automated score was calculated to assess if this variant is too frequent to cause the disease. Based on the score and internal cut-off values, a variant classified as likely benign is not then subjected to further curation. The score for this variant resulted in a classification of likely benign for this disease.